The following is an entry in ClinVar:

ClinVar aggregate classification (germline): Uncertain significance (1 of 4 stars; one submission).

Submission:

Labcorp Genetics (formerly Invitae), Labcorp
Classification: Uncertain significance. Last evaluated: 2023-10-03. Review status: criteria provided, single submitter. Criteria: Invitae Variant Classification Sherloc (09022015). Collection method: clinical testing. Allele origin: germline.
Comment: This sequence change replaces isoleucine, which is neutral and non-polar, with phenylalanine, which is neutral and non-polar, at codon 145 of the SLC1A3 protein (p.Ile145Phe). This variant is not present in population databases (gnomAD no frequency). This variant has not been reported in the literature in individuals affected with SLC1A3-related conditions. Advanced modeling of protein sequence and biophysical properties (such as structural, functional, and spatial information, amino acid conservation, physicochemical variation, residue mobility, and thermodynamic stability) performed at Invitae indicates that this missense variant is not expected to disrupt SLC1A3 protein function. In summary, the available evidence is currently insufficient to determine the role of this variant in disease. Therefore, it has been classified as a Variant of Uncertain Significance.

NM_004172.5(SLC1A3):c.433A>T (p.Ile145Phe)

Genes: SLC1A3 (solute carrier family 1 member 3; plus strand), SLC1A3-AS1 (SLC1A3 antisense RNA 1; minus strand). Cytogenetic location: 5p13.2.
Variant type: single nucleotide variant.
Coding change: c.433A>T on transcript NM_004172.5 (MANE Select); coding-DNA position 433, A replaced by T.
Protein change: p.Ile145Phe; replaces isoleucine 145 with phenylalanine.
Molecular consequence: missense variant.
Genome position (GRCh38, 1-based): chr5:36,671,142, A>T. VCF-style: chr5-36671142-A-T. GRCh37 (hg19) VCF-style: chr5-36671244-A-T.
Other names: c.433A>T, p.Ile145Phe (NM_001166695.3, NM_001289940.2); c.295A>T, p.Ile99Phe (NM_001289939.2); short protein forms I145F, I99F.
Identifiers: ClinVar variation 2695977 (VCV002695977.3), dbSNP rs2478113882, ClinGen allele CA359477468.